The following is an entry in ClinVar:

NM_003190.5(TAPBP):c.175G>T (p.Asp59Tyr)

Gene: TAPBP (TAP binding protein; minus strand). Cytogenetic location: 6p21.32.
Variant type: single nucleotide variant.
Coding change: c.175G>T on transcript NM_003190.5 (MANE Select); coding-DNA position 175, G replaced by T.
Protein change: p.Asp59Tyr; replaces aspartic acid 59 with tyrosine.
Molecular consequence: missense variant.
Genome position (GRCh38, 1-based): chr6:33,313,727, C>A on the plus strand (G>T on the coding strand, the complement: TAPBP is on the minus strand). VCF-style: chr6-33313727-C-A. GRCh37 (hg19) VCF-style: chr6-33281504-C-A.
Other names: c.175G>T, p.Asp59Tyr (NM_172208.3, NM_172209.3); short protein forms D59Y.
Identifiers: ClinVar variation 715762 (VCV000715762.36), dbSNP rs45583737, ClinGen allele CA3755950.

ClinVar aggregate classification (germline): Likely benign. Review status: criteria provided, multiple submitters, no conflicts (2 of 4 stars). 6 submissions from 6 submitters: Likely benign (5). 1 of the submissions does not count toward it. Last evaluated 2026-04-09.

Conditions:
TAPBP-related disorder. Also called: TAPBP-related condition.
MHC class I deficiency. Identifiers: Orphanet 34592, MedGen C6024714, MONDO:0011476.

Allele frequency attached by ClinVar (database versions not stated): 1000 Genomes Project 30x 0.00312; 1000 Genomes Project 0.00339; gnomAD 0.00441; TOPMed 0.00448; gnomAD exomes 0.00502 and 0.00608; ExAC 0.00514; ESP Exome Variant Server 0.00547.
gnomAD v4.1: 9,555 of 1,613,382 alleles (0.59%); highest among the groups gnomAD compares: Middle Eastern, 0.84%; 33 homozygotes.

Submissions (6):

Women's Health and Genetics/Laboratory Corporation of America, LabCorp
Classification: Likely benign. Last evaluated: 2026-04-09. Review status: criteria provided, single submitter. Criteria: LabCorp Variant Classification Summary - May 2015. Collection method: clinical testing. Allele origin: germline.
Comment: Variant summary: TAPBP c.175G>T (p.Asp59Tyr) results in a non-conservative amino acid change in the encoded protein sequence. Algorithms developed to predict the effect of missense changes on protein structure and function are either unavailable or do not agree on the potential impact of this missense change. The variant allele was found at a frequency of 0.005 in 247568 control chromosomes in the gnomAD database, including 6 homozygotes. The observed variant frequency exceeds the estimated maximal expected allele frequency for disease-causing variants in TAPBP. To our knowledge, no occurrence of c.175G>T in individuals affected with TAPBP-related conditions and no experimental evidence demonstrating its impact on protein function have been reported. ClinVar contains an entry for this variant (Variation ID: 715762). Based on the evidence outlined above, the variant was classified as likely benign.

CeGaT Center for Human Genetics Tuebingen
Classification: Likely benign. Last evaluated: 2025-05-01. Review status: criteria provided, single submitter. Criteria: CeGaT Center For Human Genetics Tuebingen Variant Classification Criteria Version 2. Collection method: clinical testing. Allele origin: germline. Affected: yes. Observed: 13 variant alleles.
Comment: TAPBP: BS2

Blueprint Genetics
Classification: Likely benign. Last evaluated: 2024-11-26. Review status: criteria provided, single submitter. Criteria: ACMG Guidelines, 2015. Collection method: clinical testing. Allele origin: germline.

Labcorp Genetics (formerly Invitae), Labcorp
Classification: Likely benign for Bare lymphocyte syndrome type 1. Last evaluated: 2019-12-31. Review status: criteria provided, single submitter. Criteria: Invitae Variant Classification Sherloc (09022015). Collection method: clinical testing. Allele origin: germline.

Breakthrough Genomics
Classification: Likely benign. Review status: criteria provided, single submitter. Criteria: ACMG Guidelines, 2015. Collection method: not provided. Allele origin: germline. Inheritance: Autosomal recessive inheritance. Affected: yes.

PreventionGenetics, part of Exact Sciences
Classification: Benign for TAPBP-related condition. Last evaluated: 2019-07-26. Review status: no assertion criteria provided. Collection method: clinical testing. Allele origin: germline. Not counted in ClinVar's aggregate classification.
Comment: This variant is classified as benign based on ACMG/AMP sequence variant interpretation guidelines (Richards et al. 2015 PMID: 25741868, with internal and published modifications).